The following is an entry in ClinVar:

ClinVar aggregate classification (germline): Uncertain significance (1 of 4 stars; one submission).

Submission:

Labcorp Genetics (formerly Invitae), Labcorp
Classification: Uncertain significance. Last evaluated: 2021-12-29. Review status: criteria provided, single submitter. Criteria: Invitae Variant Classification Sherloc (09022015). Collection method: clinical testing. Allele origin: germline.
Comment: In summary, the available evidence is currently insufficient to determine the role of this variant in disease. Therefore, it has been classified as a Variant of Uncertain Significance. Algorithms developed to predict the effect of missense changes on protein structure and function (SIFT, PolyPhen-2, Align-GVGD) all suggest that this variant is likely to be tolerated. This variant has not been reported in the literature in individuals affected with PLEKHM2-related conditions. This variant is not present in population databases (gnomAD no frequency). This sequence change replaces glycine, which is neutral and non-polar, with aspartic acid, which is acidic and polar, at codon 919 of the PLEKHM2 protein (p.Gly919Asp).

NM_015164.4(PLEKHM2):c.2756G>A (p.Gly919Asp)

Gene: PLEKHM2 (pleckstrin homology and RUN domain containing M2; plus strand). Cytogenetic location: 1p36.21.
Variant type: single nucleotide variant.
Coding change: c.2756G>A on transcript NM_015164.4 (MANE Select); coding-DNA position 2756, G replaced by A.
Protein change: p.Gly919Asp; replaces glycine 919 with aspartic acid.
Molecular consequence: missense variant.
Genome position (GRCh38, 1-based): chr1:15,732,480, G>A. VCF-style: chr1-15732480-G-A. GRCh37 (hg19) VCF-style: chr1-16058975-G-A.
Other names: c.2696G>A, p.Gly899Asp (NM_001410755.1); short protein forms G899D, G919D.
Identifiers: ClinVar variation 1957367 (VCV001957367.5), dbSNP rs2522480162, ClinGen allele CA338574838.